The following is an entry in ClinVar:

NM_003321.5(TUFM):c.722dup (p.Leu242fs)

Gene: TUFM (Tu translation elongation factor, mitochondrial; minus strand). Cytogenetic location: 16p11.2.
Variant type: Duplication.
Coding change: c.722dup on transcript NM_003321.5 (MANE Select); coding-DNA position 722, one base duplicated (A; older notation c.722dupA).
Protein change: p.Leu242fs; shifts the reading frame from leucine 242.
Molecular consequence: frameshift variant.
Genome position (GRCh38, 1-based): chr16:28,844,514, T duplicated on the plus strand (A on the coding strand, the reverse complement: TUFM is on the minus strand); the first of 2 consecutive T bases (chr16:28,844,514-28,844,515); duplicating either gives the same sequence. VCF-style (leftmost placement, unchanged base first): chr16-28844513-C-CT. GRCh37 (hg19) VCF-style: chr16-28855834-C-CT.
Other names: c.722dup, p.Leu242fs (NM_001365360.2); short protein forms L242fs.
Identifiers: ClinVar variation 3650557 (VCV003650557.2).

ClinVar aggregate classification (germline): Pathogenic (1 of 4 stars; one submission).

Submission:

Labcorp Genetics (formerly Invitae), Labcorp
Classification: Pathogenic. Last evaluated: 2024-04-22. Review status: criteria provided, single submitter. Criteria: Invitae Variant Classification Sherloc (09022015). Collection method: clinical testing. Allele origin: germline.
Comment: This sequence change creates a premature translational stop signal (p.Leu242Alafs*53) in the TUFM gene. It is expected to result in an absent or disrupted protein product. Loss-of-function variants in TUFM are known to be pathogenic (PMID: 17160893, 19524667). This variant is not present in population databases (gnomAD no frequency). This variant has not been reported in the literature in individuals affected with TUFM-related conditions. For these reasons, this variant has been classified as Pathogenic.

Literature cited by the submitters: PubMed 17160893; PubMed 19524667.